The following is an entry in ClinVar:

NM_000071.3(CBS):c.1272C>T (p.Thr424=)

Gene: CBS (cystathionine beta-synthase; minus strand). Cytogenetic location: 21q22.3.
Variant type: single nucleotide variant.
Coding change: c.1272C>T on transcript NM_000071.3 (MANE Select); coding-DNA position 1272, C replaced by T.
Protein change: p.Thr424=; no amino-acid change (threonine 424 retained).
Molecular consequence: synonymous variant.
Genome position (GRCh38, 1-based): chr21:43,058,920, G>A on the plus strand (C>T on the coding strand, the complement: CBS is on the minus strand). VCF-style: chr21-43058920-G-A. GRCh37 (hg19) VCF-style: chr21-44479030-G-A.
Other names: c.1272C>T, p.Thr424= (NM_001178008.3, NM_001178009.3, NM_001320298.2); c.957C>T, p.Thr319= (NM_001321072.1).
Identifiers: ClinVar variation 236934 (VCV000236934.19), dbSNP rs141717913, ClinGen allele CA10583887.

ClinVar aggregate classification (germline): Likely benign. Review status: criteria provided, multiple submitters, no conflicts (2 of 4 stars). 6 submissions from 6 submitters: Likely benign (6). Last evaluated 2026-05-01.

Conditions:
Familial thoracic aortic aneurysm and aortic dissection (TAAD). Also called: Thoracic aortic aneurysms and dissections. Identifiers: Orphanet 91387, MedGen C4707243, MONDO:0019625.
HYPERHOMOCYSTEINEMIA, THROMBOTIC, CBS-RELATED. Identifiers: MedGen C3150344, OMIM 236200.

Allele frequency attached by ClinVar (database versions not stated): gnomAD 0.00003; ExAC 0.00013; ESP Exome Variant Server 0.00015; gnomAD exomes 0.00016.

Submissions (6):

CeGaT Center for Human Genetics Tuebingen
Classification: Likely benign. Last evaluated: 2026-05-01. Review status: criteria provided, single submitter. Criteria: CeGaT Center For Human Genetics Tuebingen Variant Classification Criteria Version 2. Collection method: clinical testing. Allele origin: germline. Affected: yes. Observed: 1 variant allele.
Comment: CBS: PM2:Supporting, BP4, BP7

Labcorp Genetics (formerly Invitae), Labcorp
Classification: Likely benign for HYPERHOMOCYSTEINEMIA, THROMBOTIC, CBS-RELATED. Last evaluated: 2025-12-22. Review status: criteria provided, single submitter. Criteria: Invitae Variant Classification Sherloc (09022015). Collection method: clinical testing. Allele origin: germline.

Blueprint Genetics
Classification: Likely benign. Last evaluated: 2024-01-17. Review status: criteria provided, single submitter. Criteria: ACMG Guidelines, 2015. Collection method: clinical testing. Allele origin: germline.

Women's Health and Genetics/Laboratory Corporation of America, LabCorp
Classification: Likely benign. Last evaluated: 2022-08-04. Review status: criteria provided, single submitter. Criteria: LabCorp Variant Classification Summary - May 2015. Collection method: clinical testing. Allele origin: germline.

Ambry Genetics
Classification: Likely benign for Familial thoracic aortic aneurysm and aortic dissection. Last evaluated: 2019-11-19. Review status: criteria provided, single submitter. Criteria: Ambry Variant Classification Scheme 2023. Collection method: clinical testing. Allele origin: germline.

GeneDx
Classification: Likely benign. Last evaluated: 2017-12-14. Review status: criteria provided, single submitter. Criteria: GeneDx Variant Classification (06012015). Collection method: clinical testing. Allele origin: germline. Affected: yes.
Comment: This variant is considered likely benign or benign based on one or more of the following criteria: it is a conservative change, it occurs at a poorly conserved position in the protein, it is predicted to be benign by multiple in silico algorithms, and/or has population frequency not consistent with disease.